The following is an entry in ClinVar:

NM_000069.3(CACNA1S):c.1711G>A (p.Val571Ile)

Gene: CACNA1S (calcium voltage-gated channel subunit alpha1 S; minus strand). Cytogenetic location: 1q32.1.
Variant type: single nucleotide variant.
Coding change: c.1711G>A on transcript NM_000069.3 (MANE Select); coding-DNA position 1711, G replaced by A.
Protein change: p.Val571Ile; replaces valine 571 with isoleucine.
Molecular consequence: missense variant.
Genome position (GRCh38, 1-based): chr1:201,077,036, C>T on the plus strand (G>A on the coding strand, the complement: CACNA1S is on the minus strand). VCF-style: chr1-201077036-C-T. GRCh37 (hg19) VCF-style: chr1-201046164-C-T.
Other names: p.Val571Ile; short protein forms V571I.
Identifiers: ClinVar variation 254802 (VCV000254802.26), dbSNP rs114191482, ClinGen allele CA078525.
Genomic context (GRCh38, chr1:201,077,036, plus strand): 5'-CTGTGTCTTCAAAGTCATACCTCCCCCCAAAGAGCTGCATGCCCAGGAGGGCGAAGATGA[C>T]GATGAAGAGGAAGAGCAGCAGCAGCAGGGAGGCGATGGAGCGGATGGAGTTGAGCAGGGA-3'
Protein context (NP_000060.2, residues 561-581): SLLLLLFLFI[Val571Ile]IFALLGMQLF

ClinVar aggregate classification (germline): Benign/Likely benign. Review status: criteria provided, multiple submitters, no conflicts (2 of 4 stars). 14 submissions from 11 submitters: Benign (5); Likely benign (9). Last evaluated 2026-07-01.

Conditions:
Congenital myopathy 18. Also called: Myopathy, congenital, due to dihydropyridine receptor defect; DIHYDROPYRIDINE RECEPTOR CONGENITAL MYOPATHY; DHPR CONGENITAL MYOPATHY. Identifiers: MedGen C5830283, MONDO:0859514, OMIM 620246.
Thyrotoxic periodic paralysis, susceptibility to, 1 (TTPP1). Identifiers: Orphanet 79102, MedGen C2749982, MONDO:0008570, OMIM 188580.
Hypokalemic periodic paralysis, type 1. Also called: Hypokalemic Periodic Paralysis Type 1 (AD); HypoPP. Identifiers: Orphanet 681, MedGen C3714580, MONDO:0042979, OMIM 170400.
Malignant hyperthermia, susceptibility to, 5 (MHS5). Also called: CACNA1S-Related Malignant Hyperthermia Susceptibility. Identifiers: Orphanet 423, MedGen C1866077, MONDO:0011163, OMIM 601887.
Inborn genetic diseases. Identifiers: MedGen C0950123, MeSH D030342.

Allele frequency attached by ClinVar (database versions not stated): 1000 Genomes Project 30x 0.00156; TOPMed 0.00261; ESP Exome Variant Server 0.00223; ExAC 0.00068; 1000 Genomes Project 0.00160; gnomAD 0.00207 and 0.00228; gnomAD exomes 0.00056.
gnomAD v4.1: 709 of 1,614,040 alleles (0.044%); highest among the groups gnomAD compares: African/African-American, 0.82%; 1 homozygote.

Submissions (14):

Ambry Genetics
Classification: Likely benign for Inborn genetic diseases. Last evaluated: 2026-07-01. Review status: criteria provided, single submitter. Criteria: Ambry Variant Classification Scheme 2023. Collection method: clinical testing. Allele origin: germline.

Labcorp Genetics (formerly Invitae), Labcorp
Classification: Benign for Hypokalemic periodic paralysis, type 1; Malignant hyperthermia, susceptibility to, 5. Last evaluated: 2026-01-27. Review status: criteria provided, single submitter. Criteria: Invitae Variant Classification Sherloc (09022015). Collection method: clinical testing. Allele origin: germline.

Athena Diagnostics
Classification: Benign. Last evaluated: 2025-09-11. Review status: criteria provided, single submitter. Criteria: Athena Diagnostics Criteria. Collection method: clinical testing. Allele origin: unknown.
Comment: The frequency of this variant in the general population is higher than would generally be expected for pathogenic variants in this gene. Computational tools predict this amino acid change may be benign.

Mayo Clinic Laboratories, Mayo Clinic
Classification: Likely benign. Last evaluated: 2025-04-24. Review status: criteria provided, single submitter. Criteria: ACMG Guidelines, 2015. Collection method: clinical testing. Allele origin: germline. Observed: 1 variant allele.
Comment: BS1

Genome-Nilou Lab
Classification: Likely benign for Malignant hyperthermia, susceptibility to, 5. Last evaluated: 2023-04-11. Review status: criteria provided, single submitter. Criteria: ACMG Guidelines, 2015. Collection method: clinical testing. Allele origin: germline. Affected: no.

Genome-Nilou Lab
Classification: Likely benign for Thyrotoxic periodic paralysis, susceptibility to, 1. Last evaluated: 2023-04-11. Review status: criteria provided, single submitter. Criteria: ACMG Guidelines, 2015. Collection method: clinical testing. Allele origin: germline. Affected: no.

Genome-Nilou Lab
Classification: Likely benign for Congenital myopathy 18. Last evaluated: 2023-04-11. Review status: criteria provided, single submitter. Criteria: ACMG Guidelines, 2015. Collection method: clinical testing. Allele origin: germline. Affected: no.

Genome-Nilou Lab
Classification: Likely benign for Hypokalemic periodic paralysis, type 1. Last evaluated: 2023-04-11. Review status: criteria provided, single submitter. Criteria: ACMG Guidelines, 2015. Collection method: clinical testing. Allele origin: germline. Affected: no.

Color Diagnostics, LLC DBA Color Health
Classification: Benign for Malignant hyperthermia, susceptibility to, 5. Last evaluated: 2022-08-17. Review status: criteria provided, single submitter. Criteria: ACMG Guidelines, 2015. Collection method: clinical testing. Allele origin: germline.

ARUP Laboratories, Molecular Genetics and Genomics, ARUP Laboratories
Classification: Likely benign. Last evaluated: 2022-03-08. Review status: criteria provided, single submitter. Criteria: ARUP Molecular Germline Variant Investigation Process 2021. Collection method: clinical testing. Allele origin: germline.

GeneDx
Classification: Likely benign. Last evaluated: 2020-12-30. Review status: criteria provided, single submitter. Criteria: GeneDx Variant Classification Process June 2021. Collection method: clinical testing. Allele origin: germline. Affected: yes.

Illumina Laboratory Services, Illumina
Classification: Benign for Hypokalemic periodic paralysis, type 1. Last evaluated: 2018-01-13. Review status: criteria provided, single submitter. Criteria: ICSL Variant Classification Criteria 13 December 2019. Collection method: clinical testing. Allele origin: germline.
Comment: This variant was observed in the ICSL laboratory as part of a predisposition screen in an ostensibly healthy population. It had not been previously curated by ICSL or reported in the Human Gene Mutation Database (HGMD: prior to June 1st, 2018), and was therefore a candidate for classification through an automated scoring system. Utilizing variant allele frequency, disease prevalence and penetrance estimates, and inheritance mode, an automated score was calculated to assess if this variant is too frequent to cause the disease. Based on the score and internal cut-off values, a variant classified as benign is not then subjected to further curation. The score for this variant resulted in a classification of benign for this disease.

Center for Pediatric Genomic Medicine, Children's Mercy Hospital and Clinics
Classification: Likely benign. Last evaluated: 2016-11-22. Review status: criteria provided, single submitter. Criteria: ACMG Guidelines, 2015. Collection method: clinical testing. Allele origin: germline.
ClinVar note: Converted during submission from Likely Benign to Likely benign.

PreventionGenetics, part of Exact Sciences
Classification: Benign. Review status: criteria provided, single submitter. Criteria: ACMG Guidelines, 2015. Collection method: clinical testing. Allele origin: germline.